The following is an entry in ClinVar:

NM_000287.4(PEX6):c.1082C>T (p.Thr361Ile)

Gene: PEX6 (peroxisomal biogenesis factor 6; minus strand). Cytogenetic location: 6p21.1.
Variant type: single nucleotide variant.
Coding change: c.1082C>T on transcript NM_000287.4 (MANE Select); coding-DNA position 1082, C replaced by T.
Protein change: p.Thr361Ile; replaces threonine 361 with isoleucine.
Molecular consequence: missense variant. On other transcripts: non-coding transcript variant (1).
Genome position (GRCh38, 1-based): chr6:42,974,051, G>A on the plus strand (C>T on the coding strand, the complement: PEX6 is on the minus strand). VCF-style: chr6-42974051-G-A. GRCh37 (hg19) VCF-style: chr6-42941789-G-A.
Other names: c.818C>T, p.Thr273Ile (NM_001316313.2); short protein forms T273I, T361I.
Identifiers: ClinVar variation 859202 (VCV000859202.9), dbSNP rs145335409, ClinGen allele CA3811457.

ClinVar aggregate classification (germline): Uncertain significance. Review status: criteria provided, multiple submitters, no conflicts (2 of 4 stars). 5 submissions from 5 submitters: Uncertain significance (4). 1 of the submissions does not count toward it. Last evaluated 2026-04-05.

Conditions:
Peroxisome biogenesis disorder. Identifiers: Orphanet 79189, MedGen C1832200, MONDO:0019234. Disease mechanism: loss of function.
PEX6-related disorder. Also called: PEX6-related disorders; PEX6-related condition.
Zellweger spectrum disorders (ZS). Also called: Zellweger Spectrum Disorder (ZSD); Zellweger Spectrum Disorder; Zellweger Spectrum; Zellweger syndrome. Identifiers: Orphanet 912, MedGen C0043459, MONDO:0019609.
Inborn genetic diseases. Identifiers: MedGen C0950123, MeSH D030342.

Allele frequency attached by ClinVar (database versions not stated): gnomAD exomes 0.00001 and 0.00002; ExAC 0.00002; ESP Exome Variant Server 0.00008; TOPMed 0.00008; gnomAD 0.00009 and 0.00010.

Submissions (5):

PreventionGenetics, part of Exact Sciences
Classification: Uncertain significance for PEX6-related condition. Last evaluated: 2026-04-05. Review status: criteria provided, single submitter. Criteria: ACMG Guidelines, 2015. Collection method: clinical testing. Allele origin: germline.
Comment: The PEX6 c.1082C>T variant is predicted to result in the amino acid substitution p.Thr361Ile. To our knowledge, this variant has not been reported in the literature. This variant is reported in 0.028% of alleles in individuals of African descent in gnomAD. At this time, the clinical significance of this variant is uncertain due to the absence of conclusive functional and genetic evidence.

Ambry Genetics
Classification: Uncertain significance for Inborn genetic diseases. Last evaluated: 2024-09-10. Review status: criteria provided, single submitter. Criteria: Ambry Variant Classification Scheme 2023. Collection method: clinical testing. Allele origin: germline.

Blueprint Genetics
Classification: Uncertain significance. Last evaluated: 2024-09-09. Review status: criteria provided, single submitter. Criteria: ACMG Guidelines, 2015. Collection method: clinical testing. Allele origin: germline.

Labcorp Genetics (formerly Invitae), Labcorp
Classification: Uncertain significance for Peroxisome biogenesis disorder. Last evaluated: 2022-11-01. Review status: criteria provided, single submitter. Criteria: Invitae Variant Classification Sherloc (09022015). Collection method: clinical testing. Allele origin: germline.
Comment: This sequence change replaces threonine, which is neutral and polar, with isoleucine, which is neutral and non-polar, at codon 361 of the PEX6 protein (p.Thr361Ile). This variant is present in population databases (rs145335409, gnomAD 0.03%). This variant has not been reported in the literature in individuals affected with PEX6-related conditions. ClinVar contains an entry for this variant (Variation ID: 859202). Advanced modeling of protein sequence and biophysical properties (such as structural, functional, and spatial information, amino acid conservation, physicochemical variation, residue mobility, and thermodynamic stability) performed at Invitae indicates that this missense variant is not expected to disrupt PEX6 protein function. Algorithms developed to predict the effect of sequence changes on RNA splicing suggest that this variant may disrupt the consensus splice site. In summary, the available evidence is currently insufficient to determine the role of this variant in disease. Therefore, it has been classified as a Variant of Uncertain Significance.

Natera, Inc.
Classification: Uncertain significance for Zellweger syndrome. Last evaluated: 2020-09-16. Review status: no assertion criteria provided. Collection method: clinical testing. Allele origin: germline. Not counted in ClinVar's aggregate classification.